The following is an entry in ClinVar:

NM_130384.3(ATRIP):c.290dup (p.Asn97fs)

Genes: ATRIP (ATR interacting protein; plus strand), ATRIP-TREX1 (ATRIP-TREX1 readthrough; plus strand). Cytogenetic location: 3p21.31.
Variant type: Duplication.
Coding change: c.290dup on transcript NM_130384.3 (MANE Select); coding-DNA position 290, one base duplicated (A; older notation c.290dupA).
Protein change: p.Asn97fs; shifts the reading frame from asparagine 97.
Molecular consequence: frameshift variant. On other transcripts: non-coding transcript variant (1), 5 prime UTR variant (1).
Genome position (GRCh38, 1-based): chr3:48,450,079, A duplicated; the last of 6 consecutive A bases (chr3:48,450,074-48,450,079); duplicating any one gives the same sequence. VCF-style (leftmost placement, unchanged base first): chr3-48450073-C-CA. GRCh37 (hg19) VCF-style: chr3-48491479-C-CA.
Other names: c.-175dup (NM_001271022.2); c.11dup, p.Asn4fs (NM_001271023.2); c.290dup, p.Asn97fs (NM_032166.4); short protein forms N97fs, N4fs.
Identifiers: ClinVar variation 3808846 (VCV003808846.2).

ClinVar aggregate classification (germline): Uncertain significance (1 of 4 stars; one submission).

Submission:

Ambry Genetics
Classification: Uncertain significance. Last evaluated: 2026-07-30. Review status: criteria provided, single submitter. Criteria: Ambry Variant Classification Scheme 2023. Collection method: clinical testing. Allele origin: germline.
Comment: The c.290dupA variant, located in coding exon 2 of the ATRIP gene, results from a duplication of A at nucleotide position 290, causing a translational frameshift with a predicted alternate stop codon (p.N97Kfs*13). The evidence for this gene-disease relationship is limited; therefore, the clinical significance of this variant is unclear.